The following is an entry in ClinVar:

NM_000432.4(MYL2):c.294C>T (p.Thr98=)

Gene: MYL2 (myosin light chain 2; minus strand). Cytogenetic location: 12q24.11.
Variant type: single nucleotide variant.
Coding change: c.294C>T on transcript NM_000432.4 (MANE Select); coding-DNA position 294, C replaced by T.
Protein change: p.Thr98=; no amino-acid change (threonine 98 retained).
Molecular consequence: synonymous variant.
Genome position (GRCh38, 1-based): chr12:110,913,305, G>A on the plus strand (C>T on the coding strand, the complement: MYL2 is on the minus strand). VCF-style: chr12-110913305-G-A. GRCh37 (hg19) VCF-style: chr12-111351109-G-A.
Identifiers: ClinVar variation 510419 (VCV000510419.2), dbSNP rs1555257776, ClinGen allele CA481750917.

ClinVar aggregate classification (germline): Likely benign. Review status: criteria provided, multiple submitters, no conflicts (2 of 4 stars). 2 submissions from 2 submitters: Likely benign (2). Last evaluated 2025-08-22.

Conditions:
Cardiomyopathy (CMYO). Also called: Cardiomyopathies. Identifiers: Orphanet 167848, MedGen C0878544, MONDO:0004994, HP:0001638. Inheritance: Various modes of inheritance.

Submissions (2):

Color Diagnostics, LLC DBA Color Health
Classification: Likely benign for Cardiomyopathy. Last evaluated: 2025-08-22. Review status: criteria provided, single submitter. Criteria: ACMG Guidelines, 2015. Collection method: clinical testing. Allele origin: germline.

GeneDx
Classification: Likely benign. Last evaluated: 2017-06-27. Review status: criteria provided, single submitter. Criteria: GeneDx Variant Classification (06012015). Collection method: clinical testing. Allele origin: germline. Affected: yes.
Comment: This variant is considered likely benign or benign based on one or more of the following criteria: it is a conservative change, it occurs at a poorly conserved position in the protein, it is predicted to be benign by multiple in silico algorithms, and/or has population frequency not consistent with disease.